The following is an entry in ClinVar:

NM_001367624.2(ZNF469):c.7234A>C (p.Ser2412Arg)

Gene: ZNF469 (zinc finger protein 469; plus strand). Cytogenetic location: 16q24.2.
Variant type: single nucleotide variant.
Coding change: c.7234A>C on transcript NM_001367624.2 (MANE Select); coding-DNA position 7234, A replaced by C.
Protein change: p.Ser2412Arg; replaces serine 2412 with arginine.
Molecular consequence: missense variant.
Genome position (GRCh38, 1-based): chr16:88,434,704, A>C. VCF-style: chr16-88434704-A-C. GRCh37 (hg19) VCF-style: chr16-88501112-A-C.
Other names: NM_001127464.1:c.7150A>C; short protein forms S2412R.
Identifiers: ClinVar variation 1757396 (VCV001757396.2), dbSNP rs376972141, ClinGen allele CA286382491.

ClinVar aggregate classification (germline): Uncertain significance (1 of 4 stars; one submission).

Conditions:
Cardiovascular phenotype. Identifiers: MedGen CN230736.

Allele frequency attached by ClinVar (database versions not stated): TOPMed below 0.00001; gnomAD 0.00001.
gnomAD v4.1: 2 of 1,550,404 alleles (0.00013%); highest among the groups gnomAD compares: African/African-American, 0.0027%; no homozygotes.

Submission:

Ambry Genetics
Classification: Uncertain significance for Cardiovascular phenotype. Last evaluated: 2022-08-20. Review status: criteria provided, single submitter. Criteria: Ambry Variant Classification Scheme 2023. Collection method: clinical testing. Allele origin: germline.
Comment: The p.S2384R variant (also known as c.7150A>C), located in coding exon 2 of the ZNF469 gene, results from an A to C substitution at nucleotide position 7150. The serine at codon 2384 is replaced by arginine, an amino acid with dissimilar properties. This amino acid position is conserved. In addition, this alteration is predicted to be tolerated by in silico analysis. Since supporting evidence is limited at this time, the clinical significance of this alteration remains unclear.